The following is an entry in ClinVar:

NC_000016.10:g.31184376GAGGTG[6]

Gene: FUS (FUS RNA binding protein; plus strand). Cytogenetic location: 16p11.2.
Variant type: Microsatellite.
Genome position: GRCh38 VCF-style: chr16-31184371-T-TGGTGGAGGTGGA. GRCh37 (hg19) VCF-style: chr16-31195692-T-TGGTGGAGGTGGA.
Identifiers: ClinVar variation 2935390 (VCV002935390.3), ClinGen allele CA2533434635.

ClinVar aggregate classification (germline): Uncertain significance (1 of 4 stars; one submission).

Conditions:
Amyotrophic lateral sclerosis type 6. Also called: FUS-Related Amyotrophic Laterial Sclerosis; AMYOTROPHIC LATERAL SCLEROSIS 6 WITHOUT FRONTOTEMPORAL DEMENTIA; Amyotrophic lateral sclerosis 6, with or without frontotemporal dementia. Identifiers: Orphanet 275872, Orphanet 803, MedGen C2931786, MONDO:0011951, OMIM 608030.
Tremor, hereditary essential, 4 (ETM4). Identifiers: MedGen C3539195, MONDO:0013888, OMIM 614782.

Submission:

Labcorp Genetics (formerly Invitae), Labcorp
Classification: Uncertain significance for Tremor, hereditary essential, 4; Amyotrophic lateral sclerosis type 6. Last evaluated: 2024-10-15. Review status: criteria provided, single submitter. Criteria: Invitae Variant Classification Sherloc (09022015). Collection method: clinical testing. Allele origin: germline.
Comment: This sequence change falls in intron 5 of the FUS gene. It does not directly change the encoded amino acid sequence of the FUS protein. It affects a nucleotide within the consensus splice site. This variant is not present in population databases (gnomAD no frequency). This variant has not been reported in the literature in individuals affected with FUS-related conditions. Variants that disrupt the consensus splice site are a relatively common cause of aberrant splicing (PMID: 17576681, 9536098). In summary, the available evidence is currently insufficient to determine the role of this variant in disease. Therefore, it has been classified as a Variant of Uncertain Significance.

Literature cited by the submitters: PubMed 17576681; PubMed 9536098.